The following is an entry in ClinVar:

NM_152547.5(BTNL9):c.1104G>A (p.Ser368=)

Gene: BTNL9 (butyrophilin like 9; plus strand). Cytogenetic location: 5q35.3.
Variant type: single nucleotide variant.
Coding change: c.1104G>A on transcript NM_152547.5 (MANE Select); coding-DNA position 1104, G replaced by A.
Protein change: p.Ser368=; no amino-acid change (serine 368 retained).
Molecular consequence: synonymous variant.
Genome position (GRCh38, 1-based): chr5:181,059,358, G>A. VCF-style: chr5-181059358-G-A. GRCh37 (hg19) VCF-style: chr5-180486358-G-A.
Identifiers: ClinVar variation 3389168 (VCV003389168.14).

ClinVar aggregate classification (germline): Likely benign (1 of 4 stars; one submission).

gnomAD v4.1: 3 of 1,540,912 alleles (0.00019%); highest among the groups gnomAD compares: South Asian, 0.0012%; no homozygotes.

Submission:

CeGaT Center for Human Genetics Tuebingen
Classification: Likely benign. Last evaluated: 2024-09-01. Review status: criteria provided, single submitter. Criteria: CeGaT Center For Human Genetics Tuebingen Variant Classification Criteria Version 2. Collection method: clinical testing. Allele origin: germline. Affected: yes. Observed: 1 variant allele.
Comment: BTNL9: BP4, BP7